The following is an entry in ClinVar:

NM_001018115.3(FANCD2):c.3250C>G (p.Gln1084Glu)

Genes: FANCD2 (FA complementation group D2; plus strand), FANCD2OS (FANCD2 opposite strand; minus strand). Cytogenetic location: 3p25.3.
Variant type: single nucleotide variant.
Coding change: c.3250C>G on transcript NM_001018115.3 (MANE Select); coding-DNA position 3250, C replaced by G.
Protein change: p.Gln1084Glu; replaces glutamine 1084 with glutamic acid.
Molecular consequence: missense variant. On other transcripts: intron variant (1).
Genome position (GRCh38, 1-based): chr3:10,085,837, C>G. VCF-style: chr3-10085837-C-G. GRCh37 (hg19) VCF-style: chr3-10127521-C-G.
Other names: c.3250C>G, p.Gln1084Glu (NM_001319984.2, NM_001374254.1, NM_033084.6); c.3139C>G, p.Gln1047Glu (NM_001374253.1); c.*44-4306G>C (NM_173472.2); short protein forms Q1047E, Q1084E.
Identifiers: ClinVar variation 3702736 (VCV003702736.2).
Genomic context (GRCh38, chr3:10,085,837, plus strand): 5'-AACTAAGCTAACCCCTCTTACCTTGACTTCCTTAGGAGTGGATTTTCTCAACCTGAAAAT[C>G]AGAATTTACTGTATTCAGCCCTCCATGTCCTTAGTAGCCGACTGAAACAGGGAGAACACA-3'
Protein context (NP_001018125.1, residues 1074-1094): AWSGFSQPEN[Gln1084Glu]NLLYSALHVL

ClinVar aggregate classification (germline): Uncertain significance (1 of 4 stars; one submission).

Conditions:
Fanconi anemia (FA). Also called: Fanconi's anemia. Identifiers: Orphanet 84, MedGen C0015625, MeSH D005199, MONDO:0019391.

gnomAD v4.1: 2 of 1,613,458 alleles (0.00012%); highest among the groups gnomAD compares: South Asian, 0.0011%; no homozygotes.

Submission:

Labcorp Genetics (formerly Invitae), Labcorp
Classification: Uncertain significance for Fanconi anemia. Last evaluated: 2024-07-23. Review status: criteria provided, single submitter. Criteria: Invitae Variant Classification Sherloc (09022015). Collection method: clinical testing. Allele origin: germline.
Comment: This sequence change replaces glutamine, which is neutral and polar, with glutamic acid, which is acidic and polar, at codon 1084 of the FANCD2 protein (p.Gln1084Glu). This variant is present in population databases (rs747450518, gnomAD 0.0009%). This variant has not been reported in the literature in individuals affected with FANCD2-related conditions. Advanced modeling of protein sequence and biophysical properties (such as structural, functional, and spatial information, amino acid conservation, physicochemical variation, residue mobility, and thermodynamic stability) performed at Invitae indicates that this missense variant is not expected to disrupt FANCD2 protein function with a negative predictive value of 80%. In summary, the available evidence is currently insufficient to determine the role of this variant in disease. Therefore, it has been classified as a Variant of Uncertain Significance.